The following is an entry in ClinVar:

NM_016734.3(PAX5):c.494C>T (p.Thr165Met)

Genes: PAX5 (paired box 5; minus strand), LOC105376032 (uncharacterized LOC105376032; plus strand). Cytogenetic location: 9p13.2.
Variant type: single nucleotide variant.
Coding change: c.494C>T on transcript NM_016734.3 (MANE Select); coding-DNA position 494, C replaced by T.
Protein change: p.Thr165Met; replaces threonine 165 with methionine.
Molecular consequence: missense variant. On other transcripts: non-coding transcript variant (4), intron variant (2).
Genome position (GRCh38, 1-based): chr9:37,002,758, G>A on the plus strand (C>T on the coding strand, the complement: PAX5 is on the minus strand). VCF-style: chr9-37002758-G-A. GRCh37 (hg19) VCF-style: chr9-37002755-G-A.
Other names: c.494C>T, p.Thr165Met (NM_001280549.2, NM_001280550.2, NM_001280552.2 and 2 more transcripts); c.170C>T, p.Thr57Met (NM_001280551.2, NM_001280556.2); c.296C>T, p.Thr99Met (NM_001280555.2); c.475+3715C>T (NM_001280553.2, NM_001280554.2); short protein forms T57M, T165M, T99M.
Identifiers: ClinVar variation 3928345 (VCV003928345.1).

ClinVar aggregate classification (germline): Uncertain significance (1 of 4 stars; one submission).

Conditions:
Inborn genetic diseases. Identifiers: MedGen C0950123, MeSH D030342.

gnomAD v4.1: 1 of 1,609,730 alleles (0.000062%); highest among the groups gnomAD compares: Non-Finnish European, 0.000085%; no homozygotes.

Submission:

Ambry Genetics
Classification: Uncertain significance for Inborn genetic diseases. Last evaluated: 2025-05-27. Review status: criteria provided, single submitter. Criteria: Ambry Variant Classification Scheme 2023. Collection method: clinical testing. Allele origin: germline.
Comment: The p.T165M variant (also known as c.494C>T), located in coding exon 5 of the PAX5 gene, results from a C to T substitution at nucleotide position 494. The threonine at codon 165 is replaced by methionine, an amino acid with similar properties. This amino acid position is conserved. In addition, this alteration is predicted to be deleterious by in silico analysis. Based on the available evidence, the clinical significance of this variant remains unclear.